The following is an entry in ClinVar:

NM_000166.6(GJB1):c.832G>T (p.Asp278Tyr)

Gene: GJB1 (gap junction protein beta 1; plus strand). Cytogenetic location: Xq13.1.
Variant type: single nucleotide variant.
Coding change: c.832G>T on transcript NM_000166.6 (MANE Select); coding-DNA position 832, G replaced by T.
Protein change: p.Asp278Tyr; replaces aspartic acid 278 with tyrosine.
Molecular consequence: missense variant.
Genome position (GRCh38, 1-based): chrX:71,224,539, G>T. VCF-style: chrX-71224539-G-T. GRCh37 (hg19) VCF-style: chrX-70444389-G-T.
Other names: c.832G>T, p.Asp278Tyr (NM_001097642.3); short protein forms D278Y.
Identifiers: ClinVar variation 3652199 (VCV003652199.2).

ClinVar aggregate classification (germline): Uncertain significance (1 of 4 stars; one submission).

Conditions:
Charcot-Marie-Tooth Neuropathy X. Identifiers: MedGen CN118851.

gnomAD v4.1: 1 of 1,189,711 alleles (0.000084%); highest among the groups gnomAD compares: Non-Finnish European, 0.00011%; no homozygotes.

Submission:

Labcorp Genetics (formerly Invitae), Labcorp
Classification: Uncertain significance for Charcot-Marie-Tooth Neuropathy X. Last evaluated: 2024-05-05. Review status: criteria provided, single submitter. Criteria: Invitae Variant Classification Sherloc (09022015). Collection method: clinical testing. Allele origin: germline.
Comment: This sequence change replaces aspartic acid, which is acidic and polar, with tyrosine, which is neutral and polar, at codon 278 of the GJB1 protein (p.Asp278Tyr). This variant is not present in population databases (gnomAD no frequency). This variant has not been reported in the literature in individuals affected with GJB1-related conditions. An algorithm developed to predict the effect of missense changes on protein structure and function (PolyPhen-2) suggests that this variant is likely to be disruptive. In summary, the available evidence is currently insufficient to determine the role of this variant in disease. Therefore, it has been classified as a Variant of Uncertain Significance.